The following is an entry in ClinVar:

ClinVar aggregate classification (germline): Likely benign (1 of 4 stars; one submission).

Submission:

CeGaT Center for Human Genetics Tuebingen
Classification: Likely benign. Last evaluated: 2023-07-01. Review status: criteria provided, single submitter. Criteria: CeGaT Center For Human Genetics Tuebingen Variant Classification Criteria Version 2. Collection method: clinical testing. Allele origin: germline. Affected: yes. Observed: 1 variant allele.
Comment: TICAM1: PM2:Supporting, BP4, BP7

NM_182919.4(TICAM1):c.1854G>C (p.Pro618=)

Gene: TICAM1 (TIR domain containing adaptor molecule 1; minus strand). Cytogenetic location: 19p13.3.
Variant type: single nucleotide variant.
Coding change: c.1854G>C on transcript NM_182919.4 (MANE Select); coding-DNA position 1854, G replaced by C.
Protein change: p.Pro618=; no amino-acid change (proline 618 retained).
Molecular consequence: synonymous variant.
Genome position (GRCh38, 1-based): chr19:4,816,524, C>G on the plus strand (G>C on the coding strand, the complement: TICAM1 is on the minus strand). VCF-style: chr19-4816524-C-G. GRCh37 (hg19) VCF-style: chr19-4816536-C-G.
Other names: c.1812G>C, p.Pro604= (NM_001385678.1); c.1719G>C, p.Pro573= (NM_001385679.1); c.1212G>C, p.Pro404= (NM_001385680.1).
Identifiers: ClinVar variation 2649082 (VCV002649082.24), dbSNP rs566243001, ClinGen allele CA505174138.